The following is an entry in ClinVar:

ClinVar aggregate classification (germline): Likely benign. Review status: criteria provided, multiple submitters, no conflicts (2 of 4 stars). 2 submissions from 2 submitters: Likely benign (2). Last evaluated 2025-09-10.

Conditions:
Charcot-Marie-Tooth disease, type I (CMT1). Also called: Charcot-Marie-Tooth disease type 1; Charcot-Marie-Tooth, Type 1. Identifiers: Orphanet 65753, MedGen C0751036, MONDO:0019011.
PMP22-related disorder. Also called: PMP22-related disorders; PMP22-related condition.

Allele frequency attached by ClinVar (database versions not stated): ExAC below 0.00001; gnomAD exomes 0.00001 and 0.00003; TOPMed 0.00006.
gnomAD v4.1: 7 of 1,553,538 alleles (0.00045%); highest among the groups gnomAD compares: Admixed American, 0.0098%; no homozygotes.

Submissions (2):

PreventionGenetics, part of Exact Sciences
Classification: Likely benign for PMP22-related condition. Last evaluated: 2025-09-10. Review status: criteria provided, single submitter. Criteria: ACMG Guidelines, 2015. Collection method: clinical testing. Allele origin: germline.
Comment: This variant is classified as likely benign based on ACMG/AMP sequence variant interpretation guidelines (Richards et al. 2015 PMID: 25741868, with internal and published modifications).

Labcorp Genetics (formerly Invitae), Labcorp
Classification: Likely benign for Charcot-Marie-Tooth disease, type I. Last evaluated: 2025-06-23. Review status: criteria provided, single submitter. Criteria: Invitae Variant Classification Sherloc (09022015). Collection method: clinical testing. Allele origin: germline.

NM_000304.4(PMP22):c.21T>C (p.Ser7=)

Gene: PMP22 (peripheral myelin protein 22; minus strand). Cytogenetic location: 17p12.
Variant type: single nucleotide variant.
Coding change: c.21T>C on transcript NM_000304.4 (MANE Select); coding-DNA position 21, T replaced by C.
Protein change: p.Ser7=; no amino-acid change (serine 7 retained).
Molecular consequence: synonymous variant.
Genome position (GRCh38, 1-based): chr17:15,260,707, A>G on the plus strand (T>C on the coding strand, the complement: PMP22 is on the minus strand). VCF-style: chr17-15260707-A-G. GRCh37 (hg19) VCF-style: chr17-15164024-A-G.
Other names: c.21T>C, p.Ser7= (NM_001281455.2, NM_001281456.2, NM_001330143.2 and 2 more transcripts).
Identifiers: ClinVar variation 766989 (VCV000766989.8), dbSNP rs755300278, ClinGen allele CA8403456.